The following is an entry in ClinVar:

NC_000016.9:g.(?_53652917)_(53656288_?)del

Gene: RPGRIP1L (RPGRIP1 like; minus strand). Cytogenetic location: 16q12.2.
Variant type: Deletion.
Identifiers: ClinVar variation 1076237 (VCV001076237.1).

ClinVar aggregate classification (germline): Pathogenic (1 of 4 stars; one submission).

Conditions:
Joubert syndrome. Also called: Familial aplasia of the vermis; CEREBELLOPARENCHYMAL DISORDER IV; JOUBERT-BOLTSHAUSER SYNDROME. Identifiers: Orphanet 475, MedGen C5979921, MONDO:0018772.
Meckel-Gruber syndrome. Also called: Dysencephalia splachnocystica; DYSENCEPHALIA SPLANCHNOCYSTICA; GRUBER SYNDROME. Identifiers: Orphanet 564, MedGen C0265215, MONDO:0018921.

Submission:

Labcorp Genetics (formerly Invitae), Labcorp
Classification: Pathogenic for Joubert syndrome; Meckel-Gruber syndrome. Last evaluated: 2020-10-19. Review status: criteria provided, single submitter. Criteria: Invitae Variant Classification Sherloc (09022015). Collection method: clinical testing. Allele origin: germline.
Comment: This variant is an out-of-frame deletion of the genomic region encompassing exons 23-24 of the RPGRIP1L gene. This is expected to create a premature translational stop signal and result in an absent or disrupted protein product. This variant has not been reported in the literature in individuals with RPGRIP1L-related disease. Loss-of-function variants in RPGRIP1L are known to be pathogenic (PMID: 17558409). For these reasons, this variant has been classified as Pathogenic.

Literature cited by the submitters: PubMed 17558409.